The following is an entry in ClinVar:

ClinVar aggregate classification (germline): Likely benign. Review status: criteria provided, multiple submitters, no conflicts (2 of 4 stars). 5 submissions from 5 submitters: Likely benign (5). Last evaluated 2026-02-02.

Conditions:
Hereditary cancer-predisposing syndrome. Also called: Neoplastic Syndromes, Hereditary; Tumor predisposition; Hereditary Cancer Syndrome; Hereditary neoplastic syndrome. Identifiers: Orphanet 140162, MedGen C0027672, MeSH D009386, MONDO:0015356.
Familial adenomatous polyposis 2. Also called: Adenomas, multiple colorectal; COLORECTAL ADENOMATOUS POLYPOSIS, AUTOSOMAL RECESSIVE; ADENOMAS, MULTIPLE COLORECTAL, AUTOSOMAL RECESSIVE; MYH-associated polyposis; MUTYH Polyposis; FAP type 2. Identifiers: Orphanet 220460, Orphanet 247798, MedGen C3272841, MONDO:0012041, OMIM 608456.

Allele frequency attached by ClinVar (database versions not stated): ExAC 0.00002; TOPMed 0.00002; ESP Exome Variant Server 0.00008; 1000 Genomes Project 30x 0.00016; 1000 Genomes Project 0.00020.
gnomAD v4.1: 9 of 1,614,214 alleles (0.00056%); highest among the groups gnomAD compares: African/African-American, 0.012%; no homozygotes.

Submissions (5):

Labcorp Genetics (formerly Invitae), Labcorp
Classification: Likely benign for Familial adenomatous polyposis 2. Last evaluated: 2026-02-02. Review status: criteria provided, single submitter. Criteria: Invitae Variant Classification Sherloc (09022015). Collection method: clinical testing. Allele origin: germline.

Women's Health and Genetics/Laboratory Corporation of America, LabCorp
Classification: Likely benign. Last evaluated: 2024-10-17. Review status: criteria provided, single submitter. Criteria: LabCorp Variant Classification Summary - May 2015. Collection method: clinical testing. Allele origin: germline.

All of Us Research Program, National Institutes of Health
Classification: Likely benign for Familial adenomatous polyposis 2. Last evaluated: 2023-12-18. Review status: criteria provided, single submitter. Criteria: ACMG Guidelines, 2015. Collection method: clinical testing. Allele origin: germline. Inheritance: Autosomal recessive inheritance. Observed: 3 variant alleles, 3 heterozygotes.
Comment: This study involves interpretation of variants in research participants for the purpose of population health screening. Participant phenotype was not available at the time of variant classification. Additional details can be found in publication PMID: 35346344, PMCID: PMC8962531

Color Diagnostics, LLC DBA Color Health
Classification: Likely benign for Hereditary cancer-predisposing syndrome. Last evaluated: 2021-11-18. Review status: criteria provided, single submitter. Criteria: ACMG Guidelines, 2015. Collection method: clinical testing. Allele origin: germline.

Ambry Genetics
Classification: Likely benign for Hereditary cancer-predisposing syndrome. Last evaluated: 2015-02-24. Review status: criteria provided, single submitter. Criteria: Ambry Variant Classification Scheme 2023. Collection method: clinical testing. Allele origin: germline.

NM_001048174.2(MUTYH):c.1516C>A (p.Arg506=)

Gene: MUTYH (mutY DNA glycosylase; minus strand). Cytogenetic location: 1p34.1.
Variant type: single nucleotide variant.
Coding change: c.1516C>A on transcript NM_001048174.2 (MANE Select); coding-DNA position 1516, C replaced by A.
Protein change: p.Arg506=; no amino-acid change (arginine 506 retained).
Molecular consequence: synonymous variant. On other transcripts: non-coding transcript variant (2).
Genome position (GRCh38, 1-based): chr1:45,329,356, G>T on the plus strand (C>A on the coding strand, the complement: MUTYH is on the minus strand). VCF-style: chr1-45329356-G-T. GRCh37 (hg19) VCF-style: chr1-45795028-G-T.
Other names: c.1516C>A, p.Arg506= (NM_001048171.2, NM_001048173.2, NM_001293195.2); c.1519C>A, p.Arg507= (NM_001048172.2); c.1600C>A, p.Arg534= (NM_001128425.2); c.1561C>A, p.Arg521= (NM_001293190.2); c.1549C>A, p.Arg517= (NM_001293191.2); c.1240C>A, p.Arg414= (NM_001293192.2, NM_001293196.2); c.1171C>A, p.Arg391= (NM_001350650.2, NM_001350651.2); c.1591C>A, p.Arg531= (NM_012222.3).
Identifiers: ClinVar variation 184712 (VCV000184712.20), dbSNP rs144616312, ClinGen allele CA013134.